The following is an entry in ClinVar:

NM_000368.5(TSC1):c.540C>T (p.Leu180=)

Gene: TSC1 (TSC complex subunit 1; minus strand). Cytogenetic location: 9q34.13.
Variant type: single nucleotide variant.
Coding change: c.540C>T on transcript NM_000368.5 (MANE Select); coding-DNA position 540, C replaced by T.
Protein change: p.Leu180=; no amino-acid change (leucine 180 retained).
Molecular consequence: synonymous variant.
Genome position (GRCh38, 1-based): chr9:132,921,942, G>A on the plus strand (C>T on the coding strand, the complement: TSC1 is on the minus strand). VCF-style: chr9-132921942-G-A. GRCh37 (hg19) VCF-style: chr9-135797329-G-A.
Other names: c.540C>T, p.Leu180= (NM_001162426.2); c.387C>T, p.Leu129= (NM_001162427.2); c.177C>T, p.Leu59= (NM_001362177.2).
Identifiers: ClinVar variation 416649 (VCV000416649.15), dbSNP rs201562103, ClinGen allele CA038028.

ClinVar aggregate classification (germline): Benign/Likely benign. Review status: criteria provided, multiple submitters, no conflicts (2 of 4 stars). 3 submissions from 3 submitters: Benign (1); Likely benign (2). Last evaluated 2025-04-08.

Conditions:
Hereditary cancer-predisposing syndrome. Also called: Tumor predisposition; Neoplastic Syndromes, Hereditary; Hereditary Cancer Syndrome; Hereditary neoplastic syndrome. Identifiers: Orphanet 140162, MedGen C0027672, MeSH D009386, MONDO:0015356.
Tuberous sclerosis 1 (TSC1). Identifiers: Orphanet 805, MedGen C1854465, MONDO:0008612, OMIM 191100.

Allele frequency attached by ClinVar (database versions not stated): gnomAD exomes below 0.00001; TOPMed below 0.00001; ExAC 0.00001; gnomAD 0.00001; 1000 Genomes Project 30x 0.00016; 1000 Genomes Project 0.00020.
gnomAD v4.1: 7 of 1,614,158 alleles (0.00043%); highest among the groups gnomAD compares: Non-Finnish European, 0.00051%; no homozygotes.

Submissions (3):

Myriad Genetics, Inc.
Classification: Benign for Tuberous sclerosis 1. Last evaluated: 2025-04-08. Review status: criteria provided, single submitter. Criteria: Myriad Autosomal Dominant, Autosomal Recessive and X-Linked Classification Criteria (2023). Collection method: clinical testing. Allele origin: unknown.
Comment: This variant is considered benign. This variant is a silent/synonymous amino acid change and it is not expected to impact splicing.

Labcorp Genetics (formerly Invitae), Labcorp
Classification: Likely benign for Tuberous sclerosis 1. Last evaluated: 2025-03-26. Review status: criteria provided, single submitter. Criteria: Invitae Variant Classification Sherloc (09022015). Collection method: clinical testing. Allele origin: germline.

Ambry Genetics
Classification: Likely benign for Hereditary cancer-predisposing syndrome. Last evaluated: 2022-01-06. Review status: criteria provided, single submitter. Criteria: Ambry Variant Classification Scheme 2023. Collection method: clinical testing. Allele origin: germline.